The following is an entry in ClinVar:

NM_001040142.2(SCN2A):c.2309T>C (p.Val770Ala)

Gene: SCN2A (sodium voltage-gated channel alpha subunit 2; plus strand). Cytogenetic location: 2q24.3.
Variant type: single nucleotide variant.
Coding change: c.2309T>C on transcript NM_001040142.2 (MANE Select); coding-DNA position 2309, T replaced by C.
Protein change: p.Val770Ala; replaces valine 770 with alanine.
Molecular consequence: missense variant.
Genome position (GRCh38, 1-based): chr2:165,331,489, T>C. VCF-style: chr2-165331489-T-C. GRCh37 (hg19) VCF-style: chr2-166187999-T-C.
Other names: c.2309T>C, p.Val770Ala (NM_001040143.2, NM_001371246.1, NM_001371247.1 and 1 more transcripts); short protein forms V770A.
Identifiers: ClinVar variation 4789339 (VCV004789339.1).

ClinVar aggregate classification (germline): Uncertain significance (1 of 4 stars; one submission).

Conditions:
Developmental and epileptic encephalopathy, 11 (DEE11). Also called: Early infantile epileptic encephalopathy 11. Identifiers: Orphanet 1934, MedGen C3150987, MONDO:0013388, OMIM 613721.
Seizures, benign familial infantile, 3 (BFIS3). Also called: CONVULSIONS, BENIGN FAMILIAL INFANTILE, 3; Familial neonatal seizures. Identifiers: Orphanet 140927, Orphanet 306, MedGen C1843140, MONDO:0011904, OMIM 607745.

Submission:

Labcorp Genetics (formerly Invitae), Labcorp
Classification: Uncertain significance for Seizures, benign familial infantile, 3; Developmental and epileptic encephalopathy, 11. Last evaluated: 2025-06-15. Review status: criteria provided, single submitter. Criteria: Invitae Variant Classification Sherloc (09022015). Collection method: clinical testing. Allele origin: germline.
Comment: This sequence change replaces valine, which is neutral and non-polar, with alanine, which is neutral and non-polar, at codon 770 of the SCN2A protein (p.Val770Ala). This variant is not present in population databases (gnomAD no frequency). This variant has not been reported in the literature in individuals affected with SCN2A-related conditions. Invitae Evidence Modeling of protein sequence and biophysical properties (such as structural, functional, and spatial information, amino acid conservation, physicochemical variation, residue mobility, and thermodynamic stability) indicates that this missense variant is expected to disrupt SCN2A protein function with a positive predictive value of 95%. In summary, the available evidence is currently insufficient to determine the role of this variant in disease. Therefore, it has been classified as a Variant of Uncertain Significance.